The following is an entry in ClinVar:

NM_030665.4(RAI1):c.3653C>G (p.Pro1218Arg)

Gene: RAI1 (retinoic acid induced 1; plus strand). Cytogenetic location: 17p11.2.
Variant type: single nucleotide variant.
Coding change: c.3653C>G on transcript NM_030665.4 (MANE Select); coding-DNA position 3653, C replaced by G.
Protein change: p.Pro1218Arg; replaces proline 1218 with arginine.
Molecular consequence: missense variant.
Genome position (GRCh38, 1-based): chr17:17,796,601, C>G. VCF-style: chr17-17796601-C-G. GRCh37 (hg19) VCF-style: chr17-17699915-C-G.
Other names: short protein forms P1218R.
Identifiers: ClinVar variation 1965517 (VCV001965517.5), dbSNP rs752682170, ClinGen allele CA8418769.

ClinVar aggregate classification (germline): Uncertain significance (1 of 4 stars; one submission).

Allele frequency attached by ClinVar (database versions not stated): ExAC 0.00001; gnomAD 0.00001; gnomAD exomes 0.00001.
gnomAD v4.1: 10 of 1,612,046 alleles (0.00062%); highest among the groups gnomAD compares: South Asian, 0.0099%; no homozygotes.

Submission:

Labcorp Genetics (formerly Invitae), Labcorp
Classification: Uncertain significance. Last evaluated: 2022-11-22. Review status: criteria provided, single submitter. Criteria: Invitae Variant Classification Sherloc (09022015). Collection method: clinical testing. Allele origin: germline.
Comment: This sequence change replaces proline, which is neutral and non-polar, with arginine, which is basic and polar, at codon 1218 of the RAI1 protein (p.Pro1218Arg). This variant is present in population databases (rs752682170, gnomAD 0.01%). This variant has not been reported in the literature in individuals affected with RAI1-related conditions. Advanced modeling of protein sequence and biophysical properties (such as structural, functional, and spatial information, amino acid conservation, physicochemical variation, residue mobility, and thermodynamic stability) performed at Invitae indicates that this missense variant is not expected to disrupt RAI1 protein function. In summary, the available evidence is currently insufficient to determine the role of this variant in disease. Therefore, it has been classified as a Variant of Uncertain Significance.